The following is an entry in ClinVar:

NM_025137.4(SPG11):c.3703A>T (p.Asn1235Tyr)

Gene: SPG11 (SPG11 vesicle trafficking associated, spatacsin; minus strand). Cytogenetic location: 15q21.1.
Variant type: single nucleotide variant.
Coding change: c.3703A>T on transcript NM_025137.4 (MANE Select); coding-DNA position 3703, A replaced by T.
Protein change: p.Asn1235Tyr; replaces asparagine 1235 with tyrosine.
Molecular consequence: missense variant.
Genome position (GRCh38, 1-based): chr15:44,598,820, T>A on the plus strand (A>T on the coding strand, the complement: SPG11 is on the minus strand). VCF-style: chr15-44598820-T-A. GRCh37 (hg19) VCF-style: chr15-44891018-T-A.
Other names: c.3703A>T, p.Asn1235Tyr (NM_001160227.2, NM_001411132.1); short protein forms N1235Y.
Identifiers: ClinVar variation 4773560 (VCV004773560.1).

ClinVar aggregate classification (germline): Uncertain significance (1 of 4 stars; one submission).

Conditions:
Hereditary spastic paraplegia 11. Also called: Spastic paraplegia, mental retardation and thin corpus callosum; Nakamura Osame syndrome; Autosomal recessive hereditary spastic paraplegia, mental impairment, and thin corpus callosum; SPASTIC PARAPLEGIA, AUTOSOMAL RECESSIVE, COMPLICATED, WITH THIN CORPUS CALLOSUM; SPASTIC PARAPLEGIA, AUTOSOMAL RECESSIVE, WITH MENTAL IMPAIRMENT AND THIN CORPUS CALLOSUM; Spastic Paraplegia 11. Identifiers: Orphanet 2822, MedGen C1858479, MONDO:0011445, OMIM 604360.

gnomAD v4.1: 1 of 1,614,116 alleles (0.000062%); highest among the groups gnomAD compares: East Asian, 0.0022%; no homozygotes.

Submission:

Labcorp Genetics (formerly Invitae), Labcorp
Classification: Uncertain significance for Hereditary spastic paraplegia 11. Last evaluated: 2025-02-27. Review status: criteria provided, single submitter. Criteria: Invitae Variant Classification Sherloc (09022015). Collection method: clinical testing. Allele origin: germline.
Comment: This sequence change replaces asparagine, which is neutral and polar, with tyrosine, which is neutral and polar, at codon 1235 of the SPG11 protein (p.Asn1235Tyr). This variant is present in population databases (no rsID available, gnomAD 0.006%). This variant has not been reported in the literature in individuals affected with SPG11-related conditions. Invitae Evidence Modeling of protein sequence and biophysical properties (such as structural, functional, and spatial information, amino acid conservation, physicochemical variation, residue mobility, and thermodynamic stability) indicates that this missense variant is not expected to disrupt SPG11 protein function with a negative predictive value of 80%. In summary, the available evidence is currently insufficient to determine the role of this variant in disease. Therefore, it has been classified as a Variant of Uncertain Significance.